The following is an entry in ClinVar:

ClinVar aggregate classification (germline): Benign. Review status: criteria provided, multiple submitters, no conflicts (2 of 4 stars). 2 submissions from 2 submitters: Benign (2). Last evaluated 2018-01-13.

Conditions:
Neuroblastoma (NB). Identifiers: Orphanet 635, MedGen C0027819, MeSH D009447, MONDO:0005072, HP:0003006.

Allele frequency attached by ClinVar (database versions not stated): TOPMed 0.09602; gnomAD exomes 0.10763; 1000 Genomes Project 30x 0.09197; gnomAD 0.09825 and 0.10065; 1000 Genomes Project 0.09365.
gnomAD v4.1: 18,987 of 185,554 alleles (10%); highest among the groups gnomAD compares: South Asian, 18%; 1,182 homozygotes.

Submissions (2):

Illumina Laboratory Services, Illumina
Classification: Benign for Neuroblastoma. Last evaluated: 2018-01-13. Review status: criteria provided, single submitter. Criteria: ICSL Variant Classification Criteria 13 December 2019. Collection method: clinical testing. Allele origin: germline.
Comment: This variant was observed in the ICSL laboratory as part of a predisposition screen in an ostensibly healthy population. It had not been previously curated by ICSL or reported in the Human Gene Mutation Database (HGMD: prior to June 1st, 2018), and was therefore a candidate for classification through an automated scoring system. Utilizing variant allele frequency, disease prevalence and penetrance estimates, and inheritance mode, an automated score was calculated to assess if this variant is too frequent to cause the disease. Based on the score and internal cut-off values, a variant classified as benign is not then subjected to further curation. The score for this variant resulted in a classification of benign for this disease.

Breakthrough Genomics
Classification: Benign. Review status: criteria provided, single submitter. Criteria: ACMG Guidelines, 2015. Collection method: not provided. Allele origin: germline. Inheritance: Autosomal dominant inheritance. Affected: yes.

NM_001365951.3(KIF1B):c.*1159G>A

Gene: KIF1B (kinesin family member 1B; plus strand). Cytogenetic location: 1p36.22.
Variant type: single nucleotide variant.
Coding change: c.*1159G>A on transcript NM_001365951.3 (MANE Select); 1159 bases downstream of the stop codon, G replaced by A.
Molecular consequence: 3 prime UTR variant.
Genome position (GRCh38, 1-based): chr1:10,377,746, G>A. VCF-style: chr1-10377746-G-A. GRCh37 (hg19) VCF-style: chr1-10437804-G-A.
Other names: c.*1159G>A (NM_001365952.1, NM_015074.3).
Identifiers: ClinVar variation 291608 (VCV000291608.6), dbSNP rs4240913, ClinGen allele CA10607230.